The following is an entry in ClinVar:

ClinVar aggregate classification (germline): Uncertain significance (1 of 4 stars; one submission).

Conditions:
ALG3-congenital disorder of glycosylation. Also called: CONGENITAL DISORDER OF GLYCOSYLATION, TYPE Id; CARBOHYDRATE-DEFICIENT GLYCOPROTEIN SYNDROME, TYPE IV; CDGS, TYPE IV; ALG3-CDG; CDG Id. Identifiers: Orphanet 79321, MedGen C1832736, MONDO:0010998, OMIM 601110.

gnomAD v4.1: 2 of 1,607,206 alleles (0.00012%); highest among the groups gnomAD compares: Admixed American, 0.0017%; no homozygotes.

Submission:

Labcorp Genetics (formerly Invitae), Labcorp
Classification: Uncertain significance for ALG3-congenital disorder of glycosylation. Last evaluated: 2020-08-25. Review status: criteria provided, single submitter. Criteria: Invitae Variant Classification Sherloc (09022015). Collection method: clinical testing. Allele origin: germline.
Comment: This sequence change replaces alanine with proline at codon 28 of the ALG3 protein (p.Ala28Pro). The alanine residue is moderately conserved and there is a small physicochemical difference between alanine and proline. In summary, the available evidence is currently insufficient to determine the role of this variant in disease. Therefore, it has been classified as a Variant of Uncertain Significance. Algorithms developed to predict the effect of missense changes on protein structure and function are either unavailable or do not agree on the potential impact of this missense change (SIFT: "Tolerated"; PolyPhen-2: "Possibly Damaging"; Align-GVGD: "Class C0"). This variant has not been reported in the literature in individuals with ALG3-related conditions. This variant is present in population databases (rs750342592, ExAC 0.02%).

NM_005787.6(ALG3):c.82G>C (p.Ala28Pro)

Gene: ALG3 (ALG3 alpha-1,3- mannosyltransferase; minus strand). Cytogenetic location: 3q27.1.
Variant type: single nucleotide variant.
Coding change: c.82G>C on transcript NM_005787.6 (MANE Select); coding-DNA position 82, G replaced by C.
Protein change: p.Ala28Pro; replaces alanine 28 with proline.
Molecular consequence: missense variant. On other transcripts: non-coding transcript variant (2), intron variant (1).
Genome position (GRCh38, 1-based): chr3:184,248,859, C>G on the plus strand (G>C on the coding strand, the complement: ALG3 is on the minus strand). VCF-style: chr3-184248859-C-G. GRCh37 (hg19) VCF-style: chr3-183966647-C-G.
Other names: c.52+367G>C (NM_001006941.2); short protein forms A28P.
Identifiers: ClinVar variation 1018481 (VCV001018481.5), dbSNP rs750342592, ClinGen allele CA2729650.
Genomic context (GRCh38, chr3:184,248,859, plus strand): 5'-AGGCGGCCACCAGCAGCGTGTAGCGCGGCTCCCGCAGCAGCAGGCGCCGCTCTTGCCAGG[C>G]GCGCTGCAGCCATTGCTTGCAGAGTCCCTCTGCCTGGGCCGCGGAACCGGACCGGCCGCG-3'
Protein context (NP_005778.1, residues 18-38): EGLCKQWLQR[Ala28Pro]WQERRLLLRE